The following is an entry in ClinVar:

ClinVar aggregate classification (germline): Conflicting classifications of pathogenicity. Review status: criteria provided, conflicting classifications (1 of 4 stars). 2 submissions from 2 submitters: Uncertain significance (1); Likely benign (1). Last evaluated 2025-08-11.

Allele frequency attached by ClinVar (database versions not stated): TOPMed 0.00001; gnomAD 0.00002.
gnomAD v4.1: 6 of 1,614,044 alleles (0.00037%); highest among the groups gnomAD compares: Admixed American, 0.0083%; no homozygotes.

Submissions (2):

Labcorp Genetics (formerly Invitae), Labcorp
Classification: Likely benign. Last evaluated: 2025-08-11. Review status: criteria provided, single submitter. Criteria: Invitae Variant Classification Sherloc (09022015). Collection method: clinical testing. Allele origin: germline.

Dasa
Classification: Uncertain significance. Last evaluated: 2025-07-20. Review status: criteria provided, single submitter. Criteria: DASA Assertion Criteria. Collection method: clinical testing. Allele origin: germline.
Comment: NM_014270.5(SLC7A9):c.1225-5T>C is a splice-region variant. This variant is rare in population databases. Computational prediction algorithms are consistent with a benign effect. The currently available literature and clinical evidence are not sufficient to establish a definitive association between this variant and the reported condition. Therefore, this variant is classified as a variant of uncertain significance.

NM_014270.5(SLC7A9):c.1225-5T>C

Gene: SLC7A9 (solute carrier family 7 member 9; minus strand). Cytogenetic location: 19q13.11.
Variant type: single nucleotide variant.
Coding change: c.1225-5T>C on transcript NM_014270.5 (MANE Select); 5 bases into the intron before coding-DNA position 1225, T replaced by C.
Molecular consequence: intron variant.
Genome position (GRCh38, 1-based): chr19:32,833,328, A>G on the plus strand (T>C on the coding strand, the complement: SLC7A9 is on the minus strand). VCF-style: chr19-32833328-A-G. GRCh37 (hg19) VCF-style: chr19-33324234-A-G.
Other names: c.1225-5T>C (NM_001126335.2, NM_001243036.2).
Identifiers: ClinVar variation 3016412 (VCV003016412.5), dbSNP rs926998425, ClinGen allele CA307484510.